The following is an entry in ClinVar:

ClinVar aggregate classification (germline): Conflicting classifications of pathogenicity. Review status: criteria provided, conflicting classifications (1 of 4 stars). 5 submissions from 5 submitters: Uncertain significance (4); Likely benign (1). Last evaluated 2026-07-22.

Conditions:
Brugada syndrome. Also called: Sudden unexpected nocturnal death syndrome; Sudden unexplained nocturnal death syndrome; Sudden Unexplained Death Syndrome; Sudden Unexplained Nocturnal Death Syndrome (SUNDS). Identifiers: Orphanet 130, MedGen C1142166, MONDO:0015263.
Cardiovascular phenotype. Identifiers: MedGen CN230736.
Dilated cardiomyopathy 1JJ (CMD1JJ). Identifiers: Orphanet 154, MedGen C3808935, MONDO:0014095, OMIM 615235.

Allele frequency attached by ClinVar (database versions not stated): gnomAD 0.00001; gnomAD exomes 0.00001 and 0.00002; TOPMed 0.00001; ExAC 0.00002.
gnomAD v4.1: 18 of 1,613,596 alleles (0.0011%); highest among the groups gnomAD compares: Middle Eastern, 0.017%; 1 homozygote.

Submissions (5):

Ambry Genetics
Classification: Likely benign for Cardiovascular phenotype. Last evaluated: 2026-07-22. Review status: criteria provided, single submitter. Criteria: Ambry Variant Classification Scheme 2023. Collection method: clinical testing. Allele origin: germline.

Fulgent Genetics
Classification: Uncertain significance for Dilated cardiomyopathy 1JJ. Last evaluated: 2021-11-22. Review status: criteria provided, single submitter. Criteria: ACMG Guidelines, 2015. Collection method: clinical testing. Allele origin: unknown.

Labcorp Genetics (formerly Invitae), Labcorp
Classification: Uncertain significance for Dilated cardiomyopathy 1JJ. Last evaluated: 2020-03-06. Review status: criteria provided, single submitter. Criteria: Invitae Variant Classification Sherloc (09022015). Collection method: clinical testing. Allele origin: germline.
Comment: This sequence change replaces serine with isoleucine at codon 448 of the LAMA4 protein (p.Ser448Ile). The serine residue is moderately conserved and there is a large physicochemical difference between serine and isoleucine. This variant is present in population databases (rs782547342, ExAC 0.003%). This variant has been observed in individual(s) with sudden unexplained death (PMID: 28986455). ClinVar contains an entry for this variant (Variation ID: 691713). Algorithms developed to predict the effect of missense changes on protein structure and function (SIFT, PolyPhen-2, Align-GVGD) all suggest that this variant is likely to be tolerated, but these predictions have not been confirmed by published functional studies and their clinical significance is uncertain. In summary, the available evidence is currently insufficient to determine the role of this variant in disease. Therefore, it has been classified as a Variant of Uncertain Significance.

Center for Advanced Laboratory Medicine, UC San Diego Health, University of California San Diego
Classification: Uncertain significance for Brugada syndrome. Last evaluated: 2019-02-16. Review status: criteria provided, single submitter. Criteria: ACMG Guidelines, 2015. Collection method: clinical testing. Allele origin: germline. Affected: yes. Observed: 1 variant allele.

Breakthrough Genomics
Classification: Uncertain significance. Review status: criteria provided, single submitter. Criteria: ACMG Guidelines, 2015. Collection method: not provided. Allele origin: germline. Inheritance: Autosomal dominant inheritance. Affected: yes.

Literature cited by the submitters: PubMed 28986455 (cited by Labcorp Genetics (formerly Invitae), Labcorp).

NM_001105206.3(LAMA4):c.1364G>T (p.Ser455Ile)

Gene: LAMA4 (laminin subunit alpha 4; minus strand). Cytogenetic location: 6q21.
Variant type: single nucleotide variant.
Coding change: c.1364G>T on transcript NM_001105206.3 (MANE Select); coding-DNA position 1364, G replaced by T.
Protein change: p.Ser455Ile; replaces serine 455 with isoleucine.
Molecular consequence: missense variant.
Genome position (GRCh38, 1-based): chr6:112,172,798, C>A on the plus strand (G>T on the coding strand, the complement: LAMA4 is on the minus strand). VCF-style: chr6-112172798-C-A. GRCh37 (hg19) VCF-style: chr6-112494000-C-A.
Other names: c.1343G>T (NM_002290.3); c.1343G>T, p.Ser448Ile (NM_001105207.3, NM_002290.5); short protein forms S448I, S455I.
Identifiers: ClinVar variation 691713 (VCV000691713.12), dbSNP rs782547342, ClinGen allele CA3965781.